The following is an entry in ClinVar:

NM_002878.4(RAD51D):c.576+1_576+2insC

Genes: RAD51D (RAD51 paralog D; minus strand), RAD51L3-RFFL (RAD51L3-RFFL readthrough; minus strand). Cytogenetic location: 17q12.
Variant type: Insertion.
Coding change: c.576+1_576+2insC on transcript NM_002878.4 (MANE Select); the canonical splice donor site of the intron after coding-DNA position 576, C inserted.
Molecular consequence: splice donor variant.
Genome position: GRCh38 VCF-style: chr17-35106384-A-AG. GRCh37 (hg19) VCF-style: chr17-33433403-A-AG.
Other names: c.240+1_240+2insC (NM_133629.3); c.636+1_636+2insC (NM_001142571.2).
Identifiers: ClinVar variation 1692730 (VCV001692730.1), dbSNP rs2142428761, ClinGen allele CA2573153498.

ClinVar aggregate classification (germline): Likely pathogenic (1 of 4 stars; one submission).

Conditions:
Hereditary cancer-predisposing syndrome. Also called: Hereditary Cancer Syndrome; Hereditary neoplastic syndrome; Neoplastic Syndromes, Hereditary; Tumor predisposition. Identifiers: Orphanet 140162, MedGen C0027672, MeSH D009386, MONDO:0015356.

Submission:

Sema4
Classification: Likely pathogenic for Hereditary cancer-predisposing syndrome. Last evaluated: 2020-12-23. Review status: criteria provided, single submitter. Criteria: Sema4 Curation Guidelines. Collection method: curation. Allele origin: germline.
Comment: To the best of our knowledge, the RAD51D c.576+1_576+2insC variant has not been reported in individuals with RAD51D-related disease. This variant affects the consensus splice site of an intron. This variant may cause exon skipping, intron retention or use of a cryptic splice site. This variant is not reported in the population database Genome Aggregation Database (PMID: 27535533). Based on the current evidence available, this variant is interpreted as likely pathogenic.